The following is an entry in ClinVar:

ClinVar aggregate classification (germline): Pathogenic/Likely pathogenic. Review status: criteria provided, multiple submitters, no conflicts (2 of 4 stars). 2 submissions from 2 submitters: Pathogenic (1); Likely pathogenic (1). Last evaluated 2024-05-21.

Conditions:
Mucopolysaccharidosis, MPS-IV-A (MPS4A). Also called: Morquio syndrome A, mild; MORQUIO SYNDROME A; GALACTOSAMINE-6-SULFATASE DEFICIENCY; GALNS DEFICIENCY; MORQUIO A DISEASE; Mucopolysaccharidosis type IV A. Identifiers: Orphanet 309297, Orphanet 582, MedGen C0086651, MONDO:0009659, OMIM 253000.

Allele frequency attached by ClinVar (database versions not stated): TOPMed below 0.00001.

Submissions (2):

Fulgent Genetics
Classification: Likely pathogenic for Mucopolysaccharidosis, MPS-IV-A. Last evaluated: 2024-05-21. Review status: criteria provided, single submitter. Criteria: ACMG Guidelines, 2015. Collection method: clinical testing. Allele origin: germline.

Labcorp Genetics (formerly Invitae), Labcorp
Classification: Pathogenic for Mucopolysaccharidosis, MPS-IV-A. Last evaluated: 2023-03-24. Review status: criteria provided, single submitter. Criteria: Invitae Variant Classification Sherloc (09022015). Collection method: clinical testing. Allele origin: germline.
Comment: This variant has not been reported in the literature in individuals affected with GALNS-related conditions. This variant is not present in population databases (gnomAD no frequency). This sequence change creates a premature translational stop signal (p.Glu433Aspfs*72) in the GALNS gene. While this is not anticipated to result in nonsense mediated decay, it is expected to disrupt the last 90 amino acid(s) of the GALNS protein. Algorithms developed to predict the effect of sequence changes on RNA splicing suggest that this variant may create or strengthen a splice site. For these reasons, this variant has been classified as Pathogenic. This variant disrupts a region of the GALNS protein in which other variant(s) (p.Trp520Arg) have been determined to be pathogenic (PMID: 34472180). This suggests that this is a clinically significant region of the protein, and that variants that disrupt it are likely to be disease-causing.

Literature cited by the submitters: PubMed 34472180 (cited by Labcorp Genetics (formerly Invitae), Labcorp).

NM_000512.5(GALNS):c.1298_1299insCTTTTCC (p.Glu433fs)

Gene: GALNS (galactosamine (N-acetyl)-6-sulfatase; minus strand). Cytogenetic location: 16q24.3.
Variant type: Insertion.
Coding change: c.1298_1299insCTTTTCC on transcript NM_000512.5 (MANE Select); coding-DNA positions 1298 to 1299, CTTTTCC inserted.
Protein change: p.Glu433fs; shifts the reading frame from glutamic acid 433.
Molecular consequence: frameshift variant.
Genome position: GRCh38 VCF-style: chr16-88822654-T-TGGAAAAG. GRCh37 (hg19) VCF-style: chr16-88889062-T-TGGAAAAG.
Other names: c.743_744insCTTTTCC, p.Glu248fs (NM_001323543.2); c.1316_1317insCTTTTCC, p.Glu439fs (NM_001323544.2); short protein forms E439fs, E248fs, E433fs.
Identifiers: ClinVar variation 2849129 (VCV002849129.4), dbSNP rs1910359431, ClinGen allele CA2241316032.